The following is an entry in ClinVar:

NM_207122.2(EXT2):c.1532T>C (p.Val511Ala)

Gene: EXT2 (exostosin glycosyltransferase 2; plus strand). Cytogenetic location: 11p11.2.
Variant type: single nucleotide variant.
Coding change: c.1532T>C on transcript NM_207122.2 (MANE Select); coding-DNA position 1532, T replaced by C.
Protein change: p.Val511Ala; replaces valine 511 with alanine.
Molecular consequence: missense variant.
Genome position (GRCh38, 1-based): chr11:44,206,829, T>C. VCF-style: chr11-44206829-T-C. GRCh37 (hg19) VCF-style: chr11-44228379-T-C.
Other names: c.1631T>C, p.Val544Ala (NM_000401.3); c.1562T>C, p.Val521Ala (NM_001178083.3); c.1532T>C, p.Val511Ala (NM_001389628.1, NM_001389630.1); short protein forms V521A, V511A, V544A.
Identifiers: ClinVar variation 1440333 (VCV001440333.6), dbSNP rs1470381472, ClinGen allele CA380180964.
Genomic context (GRCh38, chr11:44,206,829, plus strand): 5'-TAAATACCTTTTCTCTTTTTCCAGATTCTCTCTGGCCCAAAATCCGGGTTCCATTAAAAG[T>C]TGTGAGGACTGCTGAAAACAAGTTAAGTAACCGTTTCTTCCCTTATGATGAAATCGAGAC-3'
Protein context (NP_997005.1, residues 501-521): LWPKIRVPLK[Val511Ala]VRTAENKLSN

ClinVar aggregate classification (germline): Uncertain significance (1 of 4 stars; one submission).

Conditions:
Exostoses, multiple, type 2 (EXT2). Also called: Hereditary Multiple Osteochondromatosis, Type II; EXOSTOSES, MULTIPLE, TYPE II. Identifiers: Orphanet 321, MedGen C1851413, MONDO:0007586, OMIM 133701.

Allele frequency attached by ClinVar (database versions not stated): gnomAD exomes below 0.00001; TOPMed 0.00002; gnomAD 0.00003.
gnomAD v4.1: 5 of 1,613,968 alleles (0.00031%); highest among the groups gnomAD compares: African/African-American, 0.0053%; no homozygotes.

Submission:

Labcorp Genetics (formerly Invitae), Labcorp
Classification: Uncertain significance for Exostoses, multiple, type 2. Last evaluated: 2022-12-15. Review status: criteria provided, single submitter. Criteria: Invitae Variant Classification Sherloc (09022015). Collection method: clinical testing. Allele origin: germline.
Comment: This sequence change replaces valine, which is neutral and non-polar, with alanine, which is neutral and non-polar, at codon 511 of the EXT2 protein (p.Val511Ala). This variant is present in population databases (no rsID available, gnomAD 0.02%). This variant has not been reported in the literature in individuals affected with EXT2-related conditions. ClinVar contains an entry for this variant (Variation ID: 1440333). Advanced modeling of protein sequence and biophysical properties (such as structural, functional, and spatial information, amino acid conservation, physicochemical variation, residue mobility, and thermodynamic stability) performed at Invitae indicates that this missense variant is expected to disrupt EXT2 protein function. In summary, the available evidence is currently insufficient to determine the role of this variant in disease. Therefore, it has been classified as a Variant of Uncertain Significance.